The following is an entry in ClinVar:

NM_012062.5(DNM1L):c.1991A>G (p.Asp664Gly)

Gene: DNM1L (dynamin 1 like; plus strand). Cytogenetic location: 12p11.21.
Variant type: single nucleotide variant.
Coding change: c.1991A>G on transcript NM_012062.5 (MANE Select); coding-DNA position 1991, A replaced by G.
Protein change: p.Asp664Gly; replaces aspartic acid 664 with glycine.
Molecular consequence: missense variant.
Genome position (GRCh38, 1-based): chr12:32,740,515, A>G. VCF-style: chr12-32740515-A-G. GRCh37 (hg19) VCF-style: chr12-32893449-A-G.
Other names: p.Asp664Gly; c.1958A>G, p.Asp653Gly (NM_001278463.2); c.2030A>G, p.Asp677Gly (NM_001278464.2); c.1997A>G, p.Asp666Gly (NM_001278465.2); c.1382A>G, p.Asp461Gly (NM_001278466.2); c.1919A>G, p.Asp640Gly (NM_001330380.2); c.1880A>G, p.Asp627Gly (NM_005690.5); c.1913A>G, p.Asp638Gly (NM_012063.4); and 1 more; short protein forms D461G, D640G, D666G, D627G, D638G, D653G, D664G, D677G.
Identifiers: ClinVar variation 1476826 (VCV001476826.8), dbSNP rs1002656329, ClinGen allele CA235206196.

ClinVar aggregate classification (germline): Uncertain significance. Review status: criteria provided, multiple submitters, no conflicts (2 of 4 stars). 3 submissions from 3 submitters: Uncertain significance (3). Last evaluated 2026-01-17.

Conditions:
Inborn genetic diseases. Identifiers: MedGen C0950123, MeSH D030342.

Allele frequency attached by ClinVar (database versions not stated): gnomAD exomes below 0.00001; gnomAD 0.00001; TOPMed 0.00003.
gnomAD v4.1: 5 of 1,608,506 alleles (0.00031%); highest among the groups gnomAD compares: Admixed American, 0.0067%; no homozygotes.

Submissions (3):

Labcorp Genetics (formerly Invitae), Labcorp
Classification: Uncertain significance. Last evaluated: 2026-01-17. Review status: criteria provided, single submitter. Criteria: Invitae Variant Classification Sherloc (09022015). Collection method: clinical testing. Allele origin: germline.
Comment: This sequence change replaces aspartic acid, which is acidic and polar, with glycine, which is neutral and non-polar, at codon 664 of the DNM1L protein (p.Asp664Gly). This variant is not present in population databases (gnomAD no frequency). This variant has not been reported in the literature in individuals affected with DNM1L-related conditions. ClinVar contains an entry for this variant (Variation ID: 1476826). An algorithm developed to predict the effect of missense changes on protein structure and function (PolyPhen-2) suggests that this variant is likely to be disruptive. In summary, the available evidence is currently insufficient to determine the role of this variant in disease. Therefore, it has been classified as a Variant of Uncertain Significance.

Mayo Clinic Laboratories, Mayo Clinic
Classification: Uncertain significance. Last evaluated: 2024-08-22. Review status: criteria provided, single submitter. Criteria: ACMG Guidelines, 2015. Collection method: clinical testing. Allele origin: germline. Observed: 1 variant allele.
Comment: PP2, PP3

Ambry Genetics
Classification: Uncertain significance for Inborn genetic diseases. Last evaluated: 2024-03-20. Review status: criteria provided, single submitter. Criteria: Ambry Variant Classification Scheme 2023. Collection method: clinical testing. Allele origin: germline.